The following is an entry in ClinVar:

NM_000125.4(ESR1):c.409A>G (p.Ser137Gly)

Gene: ESR1 (estrogen receptor 1; plus strand). Cytogenetic location: 6q25.1.
Variant type: single nucleotide variant.
Coding change: c.409A>G on transcript NM_000125.4 (MANE Select); coding-DNA position 409, A replaced by G.
Protein change: p.Ser137Gly; replaces serine 137 with glycine.
Molecular consequence: missense variant.
Genome position (GRCh38, 1-based): chr6:151,808,321, A>G. VCF-style: chr6-151808321-A-G. GRCh37 (hg19) VCF-style: chr6-152129456-A-G.
Other names: c.409A>G, p.Ser137Gly (NM_001122740.2, NM_001122741.2, NM_001122742.2 and 7 more transcripts); short protein forms S137G.
Identifiers: ClinVar variation 735137 (VCV000735137.6), dbSNP rs185717042, ClinGen allele CA4052161.

ClinVar aggregate classification (germline): Benign. Review status: criteria provided, single submitter (1 of 4 stars). 2 submissions from 2 submitters: Benign (1). 1 of the submissions does not count toward it. Last evaluated 2019-12-31.

Conditions:
ESR1-related disorder. Also called: ESR1-related condition.

Allele frequency attached by ClinVar (database versions not stated): ESP Exome Variant Server 0.00137; 1000 Genomes Project 30x 0.00203; 1000 Genomes Project 0.00220; TOPMed 0.00297.
gnomAD v4.1: 759 of 1,554,082 alleles (0.049%); highest among the groups gnomAD compares: African/African-American, 0.94%; 3 homozygotes.

Submissions (2):

Labcorp Genetics (formerly Invitae), Labcorp
Classification: Benign. Last evaluated: 2019-12-31. Review status: criteria provided, single submitter. Criteria: Invitae Variant Classification Sherloc (09022015). Collection method: clinical testing. Allele origin: germline.

PreventionGenetics, part of Exact Sciences
Classification: Benign for ESR1-related condition. Last evaluated: 2019-11-08. Review status: no assertion criteria provided. Collection method: clinical testing. Allele origin: germline. Not counted in ClinVar's aggregate classification.
Comment: This variant is classified as benign based on ACMG/AMP sequence variant interpretation guidelines (Richards et al. 2015 PMID: 25741868, with internal and published modifications).